The following is an entry in ClinVar:

ClinVar aggregate classification (germline): Uncertain significance (1 of 4 stars; one submission).

Conditions:
Aortic aneurysm, familial thoracic 7 (AAT7). Also called: AORTIC DISSECTION, FAMILIAL, WITH OR WITHOUT AORTIC ANEURYSM. Identifiers: MedGen C3151077, MONDO:0013418, OMIM 613780.

Allele frequency attached by ClinVar (database versions not stated): gnomAD exomes below 0.00001; TOPMed 0.00001.
gnomAD v4.1: 2 of 1,614,138 alleles (0.00012%); highest among the groups gnomAD compares: Admixed American, 0.0033%; no homozygotes.

Submission:

Labcorp Genetics (formerly Invitae), Labcorp
Classification: Uncertain significance for Aortic aneurysm, familial thoracic 7. Last evaluated: 2023-10-23. Review status: criteria provided, single submitter. Criteria: Invitae Variant Classification Sherloc (09022015). Collection method: clinical testing. Allele origin: germline.
Comment: This sequence change replaces proline, which is neutral and non-polar, with histidine, which is basic and polar, at codon 1805 of the MYLK protein (p.Pro1805His). This variant is present in population databases (no rsID available, gnomAD 0.006%). This variant has not been reported in the literature in individuals affected with MYLK-related conditions. Advanced modeling of protein sequence and biophysical properties (such as structural, functional, and spatial information, amino acid conservation, physicochemical variation, residue mobility, and thermodynamic stability) performed at Invitae indicates that this missense variant is not expected to disrupt MYLK protein function. In summary, the available evidence is currently insufficient to determine the role of this variant in disease. Therefore, it has been classified as a Variant of Uncertain Significance.

NM_053025.4(MYLK):c.5414C>A (p.Pro1805His)

Genes: MYLK-AS1 (MYLK antisense RNA 1; plus strand), MYLK (myosin light chain kinase; minus strand). Cytogenetic location: 3q21.1.
Variant type: single nucleotide variant.
Coding change: c.5414C>A on transcript NM_053025.4 (MANE Select); coding-DNA position 5414, C replaced by A.
Protein change: p.Pro1805His; replaces proline 1805 with histidine.
Molecular consequence: missense variant.
Genome position (GRCh38, 1-based): chr3:123,618,725, G>T on the plus strand (C>A on the coding strand, the complement: MYLK is on the minus strand). VCF-style: chr3-123618725-G-T. GRCh37 (hg19) VCF-style: chr3-123337572-G-T.
Other names: c.4886C>A, p.Pro1629His (NM_001321309.2); c.5207C>A, p.Pro1736His (NM_053026.4); c.5261C>A, p.Pro1754His (NM_053027.4); c.5054C>A, p.Pro1685His (NM_053028.4); c.131C>A, p.Pro44His (NM_053031.4); c.134C>A, p.Pro45His (NM_053032.4); short protein forms P45H, P1754H, P1805H, P1685H, P44H, P1629H, P1736H.
Identifiers: ClinVar variation 3013275 (VCV003013275.3), dbSNP rs1368328345, ClinGen allele CA354231083.